The following is an entry in ClinVar:

ClinVar aggregate classification (germline): Uncertain significance (1 of 4 stars; one submission).

gnomAD v4.1: 10 of 1,614,080 alleles (0.00062%); highest among the groups gnomAD compares: Non-Finnish European, 0.00085%; no homozygotes.

Submission:

Labcorp Genetics (formerly Invitae), Labcorp
Classification: Uncertain significance. Last evaluated: 2024-06-22. Review status: criteria provided, single submitter. Criteria: Invitae Variant Classification Sherloc (09022015). Collection method: clinical testing. Allele origin: germline.
Comment: This sequence change replaces aspartic acid, which is acidic and polar, with glutamic acid, which is acidic and polar, at codon 224 of the TUBB1 protein (p.Asp224Glu). This variant is not present in population databases (gnomAD no frequency). This variant has not been reported in the literature in individuals affected with TUBB1-related conditions. Advanced modeling of protein sequence and biophysical properties (such as structural, functional, and spatial information, amino acid conservation, physicochemical variation, residue mobility, and thermodynamic stability) performed at Invitae indicates that this missense variant is not expected to disrupt TUBB1 protein function with a negative predictive value of 80%. In summary, the available evidence is currently insufficient to determine the role of this variant in disease. Therefore, it has been classified as a Variant of Uncertain Significance.

NM_030773.4(TUBB1):c.672T>A (p.Asp224Glu)

Gene: TUBB1 (tubulin beta 1 class VI; plus strand). Cytogenetic location: 20q13.32.
Variant type: single nucleotide variant.
Coding change: c.672T>A on transcript NM_030773.4 (MANE Select); coding-DNA position 672, T replaced by A.
Protein change: p.Asp224Glu; replaces aspartic acid 224 with glutamic acid.
Molecular consequence: missense variant.
Genome position (GRCh38, 1-based): chr20:59,024,099, T>A. VCF-style: chr20-59024099-T-A. GRCh37 (hg19) VCF-style: chr20-57599154-T-A.
Other names: short protein forms D224E.
Identifiers: ClinVar variation 3687202 (VCV003687202.2).